The following is an entry in ClinVar:

ClinVar aggregate classification (germline): Conflicting classifications of pathogenicity. Review status: criteria provided, conflicting classifications (1 of 4 stars). 2 submissions from 2 submitters: Uncertain significance (1); Benign (1). Last evaluated 2025-07-02.

Conditions:
Gorlin syndrome. Also called: Nevoid Basal Cell Carcinoma Syndrome; Basal cell nevus syndrome. Identifiers: Orphanet 377, MedGen C0004779, MONDO:0007187.
Hereditary cancer-predisposing syndrome. Also called: Neoplastic Syndromes, Hereditary; Hereditary Cancer Syndrome; Hereditary neoplastic syndrome; Tumor predisposition. Identifiers: Orphanet 140162, MedGen C0027672, MeSH D009386, MONDO:0015356.

Allele frequency attached by ClinVar (database versions not stated): gnomAD below 0.00001 and 0.00001; gnomAD exomes 0.00001 and 0.00002; ExAC 0.00002.
gnomAD v4.1: 19 of 1,613,438 alleles (0.0012%); highest among the groups gnomAD compares: South Asian, 0.019%; no homozygotes.

Submissions (2):

Labcorp Genetics (formerly Invitae), Labcorp
Classification: Benign for Gorlin syndrome. Last evaluated: 2025-07-02. Review status: criteria provided, single submitter. Criteria: Invitae Variant Classification Sherloc (09022015). Collection method: clinical testing. Allele origin: germline.

Ambry Genetics
Classification: Uncertain significance for Hereditary cancer-predisposing syndrome. Last evaluated: 2025-05-19. Review status: criteria provided, single submitter. Criteria: Ambry Variant Classification Scheme 2023. Collection method: clinical testing. Allele origin: germline.
Comment: The p.P1302L variant (also known as c.3905C>T), located in coding exon 23 of the PTCH1 gene, results from a C to T substitution at nucleotide position 3905. The proline at codon 1302 is replaced by leucine, an amino acid with similar properties. This amino acid position is well conserved in available vertebrate species. In addition, the in silico prediction for this alteration is inconclusive. Since supporting evidence is limited at this time, the clinical significance of this alteration remains unclear.

NM_000264.5(PTCH1):c.3905C>T (p.Pro1302Leu)

Gene: PTCH1 (patched 1; minus strand). Cytogenetic location: 9q22.32.
Variant type: single nucleotide variant.
Coding change: c.3905C>T on transcript NM_000264.5 (MANE Select); coding-DNA position 3905, C replaced by T.
Protein change: p.Pro1302Leu; replaces proline 1302 with leucine.
Molecular consequence: missense variant. On other transcripts: non-coding transcript variant (1).
Genome position (GRCh38, 1-based): chr9:95,447,351, G>A on the plus strand (C>T on the coding strand, the complement: PTCH1 is on the minus strand). VCF-style: chr9-95447351-G-A. GRCh37 (hg19) VCF-style: chr9-98209633-G-A.
Other names: c.3707C>T, p.Pro1236Leu (NM_001083602.3); c.3902C>T, p.Pro1301Leu (NM_001083603.3); c.3452C>T, p.Pro1151Leu (NM_001083604.3, NM_001083605.3, NM_001083606.3 and 1 more transcripts); c.3749C>T, p.Pro1250Leu (NM_001354918.2); short protein forms P1151L, P1236L, P1301L, P1302L, P1250L.
Identifiers: ClinVar variation 824368 (VCV000824368.14), dbSNP rs780042369, ClinGen allele CA5138012.